The following is an entry in ClinVar:

ClinVar aggregate classification (germline): Benign. Review status: criteria provided, multiple submitters, no conflicts (2 of 4 stars). 4 submissions from 4 submitters: Benign (4). Last evaluated 2026-02-04.

Submissions (4):

Labcorp Genetics (formerly Invitae), Labcorp
Classification: Benign. Last evaluated: 2026-02-04. Review status: criteria provided, single submitter. Criteria: Invitae Variant Classification Sherloc (09022015). Collection method: clinical testing. Allele origin: germline.

Women's Health and Genetics/Laboratory Corporation of America, LabCorp
Classification: Benign. Last evaluated: 2026-01-21. Review status: criteria provided, single submitter. Criteria: LabCorp Variant Classification Summary - May 2015. Collection method: clinical testing. Allele origin: germline.

Unidad de Genómica Garrahan, Hospital de Pediatría Garrahan
Classification: Benign. Last evaluated: 2024-01-24. Review status: criteria provided, single submitter. Criteria: ACMG Guidelines, 2015. Collection method: clinical testing. Allele origin: germline. Affected: no. Observed: 25 variant alleles.
Comment: This variant is classified as Benign based on local population frequency. This variant was detected in 26% of patients studied by a panel of primary immunodeficiencies. Number of patients: 25. Only high quality variants are reported.

Mayo Clinic Laboratories, Mayo Clinic
Classification: Benign. Last evaluated: 2022-09-06. Review status: criteria provided, single submitter. Criteria: ACMG Guidelines, 2015. Collection method: clinical testing. Allele origin: germline. Observed: 24 variant alleles.

NM_001330700.2(TOP2B):c.2863-7dup

Gene: TOP2B (DNA topoisomerase II beta; minus strand). Cytogenetic location: 3p24.2.
Variant type: Duplication.
Coding change: c.2863-7dup on transcript NM_001330700.2 (MANE Select); 7 bases into the intron before coding-DNA position 2863, one base duplicated (T; older notation c.2863-7dupT).
Molecular consequence: intron variant.
Genome position (GRCh38, 1-based): chr3:25,620,067, A duplicated on the plus strand (T on the coding strand, the reverse complement: TOP2B is on the minus strand); the first of 3 consecutive A bases (chr3:25,620,067-25,620,069); duplicating any one gives the same sequence. VCF-style (leftmost placement, unchanged base first): chr3-25620066-T-TA. GRCh37 (hg19) VCF-style: chr3-25661557-T-TA.
Other names: p.?; c.2848-7dup (NM_001068.3); c.2848-5dup (NM_001068.3); c.2848-5dupT (NM_001068.3).
Identifiers: ClinVar variation 1164868 (VCV001164868.11), dbSNP rs3832214, ClinGen allele CA2288405.
Genomic context (GRCh38, chr3:25,620,066, plus strand): 5'-TGCTGGTGTTTTATCTGTTCCATTTAGCATAGGTTCTAAAACCTGTTCTTTATATACCTA[T>TA]AAAGATTTAAAAATTAGTGATTCTTTTCATGACACACTCTCATGTTCTCATACTACAAGT-3'